The following is an entry in ClinVar:

ClinVar aggregate classification (germline): Benign. Review status: criteria provided, multiple submitters, no conflicts (2 of 4 stars). 7 submissions from 7 submitters: Benign (5). 2 of the submissions do not count toward it. Last evaluated 2026-02-03.

Allele frequency attached by ClinVar (database versions not stated): 1000 Genomes Project 30x 0.11227; gnomAD 0.12907; gnomAD exomes 0.14363; 1000 Genomes Project 0.11322; ExAC 0.17345; TOPMed 0.11874.
gnomAD v4.1: 236,724 of 1,550,482 alleles (15%); highest among the groups gnomAD compares: Middle Eastern, 25%; 19,412 homozygotes.

Submissions (7):

Labcorp Genetics (formerly Invitae), Labcorp
Classification: Benign. Last evaluated: 2026-02-03. Review status: criteria provided, single submitter. Criteria: Invitae Variant Classification Sherloc (09022015). Collection method: clinical testing. Allele origin: germline.

Mayo Clinic Laboratories, Mayo Clinic
Classification: Benign. Last evaluated: 2020-10-20. Review status: criteria provided, single submitter. Criteria: ACMG Guidelines, 2015. Collection method: clinical testing. Allele origin: germline. Observed: 53 variant alleles.

GeneDx
Classification: Benign. Last evaluated: 2017-08-03. Review status: criteria provided, single submitter. Criteria: GeneDx Variant Classification (06012015). Collection method: clinical testing. Allele origin: germline. Affected: yes.
Comment: This variant is considered likely benign or benign based on one or more of the following criteria: it is a conservative change, it occurs at a poorly conserved position in the protein, it is predicted to be benign by multiple in silico algorithms, and/or has population frequency not consistent with disease.

Laboratory for Molecular Medicine, Mass General Brigham Personalized Medicine
Classification: Benign. Last evaluated: 2014-11-24. Review status: criteria provided, single submitter. Criteria: LMM Criteria. Collection method: clinical testing. Allele origin: germline. Observed: 255 variant alleles.
Comment: Ala318Asp in exon 8 of OTOG: This variant is not expected to have clinical signi ficance because it has been identified in 23.0% (45/196) of Toscan chromosomes f rom a broad population by the 1000 Genomes Project (projects/SNP; dbSNP rs61611064).

Breakthrough Genomics
Classification: Benign. Review status: criteria provided, single submitter. Criteria: ACMG Guidelines, 2015. Collection method: not provided. Allele origin: germline. Inheritance: Autosomal recessive inheritance. Affected: yes.

Diagnostic Laboratory, Department of Genetics, University Medical Center Groningen
Classification: Benign. Review status: no assertion criteria provided. Collection method: clinical testing. Allele origin: germline. Affected: yes. Study: VKGL Data-share Consensus. Not counted in ClinVar's aggregate classification.

Joint Genome Diagnostic Labs from Nijmegen and Maastricht, Radboudumc and MUMC+
Classification: Benign. Review status: no assertion criteria provided. Collection method: clinical testing. Allele origin: germline. Affected: yes. Study: VKGL Data-share Consensus. Not counted in ClinVar's aggregate classification.

NM_001292063.2(OTOG):c.917C>A (p.Ala306Asp)

Gene: OTOG (otogelin; plus strand). Cytogenetic location: 11p15.1.
Variant type: single nucleotide variant.
Coding change: c.917C>A on transcript NM_001292063.2 (MANE Select); coding-DNA position 917, C replaced by A.
Protein change: p.Ala306Asp; replaces alanine 306 with aspartic acid.
Molecular consequence: missense variant.
Genome position (GRCh38, 1-based): chr11:17,558,236, C>A. VCF-style: chr11-17558236-C-A. GRCh37 (hg19) VCF-style: chr11-17579783-C-A.
Other names: c.953C>A, p.Ala318Asp (NM_001277269.2); short protein forms A318D, A306D.
Identifiers: ClinVar variation 226925 (VCV000226925.20), dbSNP rs61611064, ClinGen allele CA5905420.